The following is an entry in ClinVar:

ClinVar aggregate classification (germline): Conflicting classifications of pathogenicity. Review status: criteria provided, conflicting classifications (1 of 4 stars). 4 submissions from 4 submitters: Likely pathogenic (3); Uncertain significance (1). Last evaluated 2026-03-26.

Conditions:
Enhanced S-cone syndrome (ESCS). Identifiers: Orphanet 53540, MedGen C1849394, MONDO:0100288, MONDO:0009989.
Retinitis pigmentosa 37 (RP37). Identifiers: Orphanet 791, MedGen C1970163, MONDO:0012625, OMIM 611131.
ENHANCED S-CONE SYNDROME 1 (ESCS1). Also called: RETINOSCHISIS WITH EARLY HEMERALOPIA; FAVRE HYALOIDEORETINAL DEGENERATION. Identifiers: MedGen CN380299, OMIM 268100.
NR2E3-related disorder. Also called: NR2E3-related disorders; NR2E3-related condition. Identifiers: MedGen CN239387.

Allele frequency attached by ClinVar (database versions not stated): gnomAD 0.00001; gnomAD exomes 0.00001.
gnomAD v4.1: 12 of 1,603,754 alleles (0.00075%); highest among the groups gnomAD compares: Non-Finnish European, 0.00085%; no homozygotes.

Submissions (4):

Myriad Genetics, Inc.
Classification: Uncertain significance for ENHANCED S-CONE SYNDROME 1. Last evaluated: 2026-03-26. Review status: criteria provided, single submitter. Criteria: Myriad Autosomal Dominant, Autosomal Recessive and X-Linked Classification Criteria (2023). Collection method: clinical testing. Allele origin: unknown.
Comment: NM_014249.2(NR2E3):c.242A>G(Y81C) is a missense variant classified as a variant of uncertain significance in the context of enhanced S-cone syndrome. Y81C has been observed in a case with relevant disease (PMID: 18436841). Relevant functional assessments of this variant are not available in the literature. Y81C has not been observed in referenced population frequency databases. In summary, there is insufficient evidence to classify NM_014249.2(NR2E3):c.242A>G(Y81C) as pathogenic or benign. Please note: this variant was assessed in the context of healthy population screening.

Fulgent Genetics
Classification: Likely pathogenic for ENHANCED S-CONE SYNDROME 1; Retinitis pigmentosa 37. Last evaluated: 2024-01-19. Review status: criteria provided, single submitter. Criteria: ACMG Guidelines, 2015. Collection method: clinical testing. Allele origin: germline.

Labcorp Genetics (formerly Invitae), Labcorp
Classification: Likely pathogenic. Last evaluated: 2024-01-04. Review status: criteria provided, single submitter. Criteria: Invitae Variant Classification Sherloc (09022015). Collection method: clinical testing. Allele origin: germline.
Comment: This sequence change replaces tyrosine, which is neutral and polar, with cysteine, which is neutral and slightly polar, at codon 81 of the NR2E3 protein (p.Tyr81Cys). This variant is present in population databases (no rsID available, gnomAD 0.0009%). This missense change has been observed in individual(s) with clinical features of NR2E3-related conditions and/or enhanced S-cone syndrome (PMID: 18436841; Invitae). In at least one individual the data is consistent with being in trans (on the opposite chromosome) from a pathogenic variant. Advanced modeling of protein sequence and biophysical properties (such as structural, functional, and spatial information, amino acid conservation, physicochemical variation, residue mobility, and thermodynamic stability) performed at Invitae indicates that this missense variant is expected to disrupt NR2E3 protein function with a positive predictive value of 80%. In summary, the currently available evidence indicates that the variant is pathogenic, but additional data are needed to prove that conclusively. Therefore, this variant has been classified as Likely Pathogenic.

Blueprint Genetics
Classification: Likely pathogenic for NR2E3-related disorders. Last evaluated: 2022-04-28. Review status: criteria provided, single submitter. Criteria: ACMG Guidelines, 2015. Collection method: clinical testing. Allele origin: germline. Affected: yes. Observed: 1 variant allele.

Literature cited by the submitters: PubMed 18436841 (cited by Myriad Genetics, Inc. and Labcorp Genetics (formerly Invitae), Labcorp).

NM_014249.4(NR2E3):c.242A>G (p.Tyr81Cys)

Gene: NR2E3 (nuclear receptor subfamily 2 group E member 3; plus strand). Cytogenetic location: 15q23.
Variant type: single nucleotide variant.
Coding change: c.242A>G on transcript NM_014249.4 (MANE Select); coding-DNA position 242, A replaced by G.
Protein change: p.Tyr81Cys; replaces tyrosine 81 with cysteine.
Molecular consequence: missense variant.
Genome position (GRCh38, 1-based): chr15:71,811,606, A>G. VCF-style: chr15-71811606-A-G. GRCh37 (hg19) VCF-style: chr15-72103946-A-G.
Other names: c.242A>G (NM_014249.2); c.242A>G, p.Tyr81Cys (NM_016346.4); short protein forms Y81C.
Identifiers: ClinVar variation 2736233 (VCV002736233.6), dbSNP rs1246315416, ClinGen allele CA393032212.